The following is an entry in ClinVar:

NM_000218.3(KCNQ1):c.173C>A (p.Ala58Asp)

Gene: KCNQ1 (potassium voltage-gated channel subfamily Q member 1; plus strand). Cytogenetic location: 11p15.5.
Variant type: single nucleotide variant.
Coding change: c.173C>A on transcript NM_000218.3 (MANE Select); coding-DNA position 173, C replaced by A.
Protein change: p.Ala58Asp; replaces alanine 58 with aspartic acid.
Molecular consequence: missense variant. On other transcripts: 5 prime UTR variant (1).
Genome position (GRCh38, 1-based): chr11:2,445,271, C>A. VCF-style: chr11-2445271-C-A. GRCh37 (hg19) VCF-style: chr11-2466501-C-A.
Other names: c.173C>A, p.Ala58Asp (NM_001406836.1, NM_001406838.1); c.-190C>A (NM_001406837.1); short protein forms A58D.
Identifiers: ClinVar variation 3341345 (VCV003341345.1).

ClinVar aggregate classification (germline): Uncertain significance (1 of 4 stars; one submission).

Conditions:
Long QT syndrome 1 (LQT1). Identifiers: Orphanet 101016, Orphanet 768, MedGen C4551647, MONDO:0100316, OMIM 192500, MONDO:0008646.

Submission:

Neuberg Centre For Genomic Medicine, NCGM
Classification: Uncertain significance for Long QT syndrome 1. Last evaluated: 2023-05-20. Review status: criteria provided, single submitter. Criteria: ACMG Guidelines, 2015. Collection method: clinical testing. Allele origin: germline. Inheritance: Autosomal dominant inheritance. Affected: yes.
Comment: The missense c.173C>A (p.Ala58Asp) variant in the KCNQ1 gene has not been reported previously as a pathogenic variant nor as a benign variant, to our knowledge. This variant is absent in the gnomAD Exomes. The amino acid Alanine at position 58 is changed to a Aspartic acid changing protein sequence and it might alter its composition and physico-chemical properties. Multiple lines of computational evidence (Polyphen - Probably damaging, SIFT - Tolerated and MutationTaster - Polymorphism) predicts conflicting evidence on protein structure and function for this variant. The amino acid change p.Ala58Asp in KCNQ1 is predicted as conserved by GERP++ and PhyloP across 100 vertebrates. For these reasons, this variant has been classified as Uncertain Significance.